The following is an entry in ClinVar:

NM_001042702.5(PJVK):c.683C>T (p.Ser228Leu)

Gene: PJVK (pejvakin; plus strand). Cytogenetic location: 2q31.2.
Variant type: single nucleotide variant.
Coding change: c.683C>T on transcript NM_001042702.5 (MANE Select); coding-DNA position 683, C replaced by T.
Protein change: p.Ser228Leu; replaces serine 228 with leucine.
Molecular consequence: missense variant. On other transcripts: intron variant (1).
Genome position (GRCh38, 1-based): chr2:178,460,363, C>T. VCF-style: chr2-178460363-C-T. GRCh37 (hg19) VCF-style: chr2-179325090-C-T.
Other names: c.692C>T, p.Ser231Leu (NM_001353775.2); c.206C>T, p.Ser69Leu (NM_001353777.1, NM_001353778.2); c.683C>T, p.Ser228Leu (NM_001369912.1); c.773-619C>T (NM_001353776.2); short protein forms S228L, S231L, S69L.
Identifiers: ClinVar variation 179071 (VCV000179071.4), dbSNP rs727504604, ClinGen allele CA183670.

ClinVar aggregate classification (germline): Uncertain significance (1 of 4 stars; one submission).

Submission:

Laboratory for Molecular Medicine, Mass General Brigham Personalized Medicine
Classification: Uncertain significance. Last evaluated: 2013-07-31. Review status: criteria provided, single submitter. Criteria: LMM Criteria. Collection method: clinical testing. Allele origin: germline. Observed: 1 variant allele.
Comment: The Ser228Leu variant in DFNB59 has not been previously reported in individuals with hearing loss or observed in large population studies. Computational analys es (biochemical amino acid properties, conservation, AlignGVGD, PolyPhen2, and S IFT) do not provide strong support for or against an impact to the protein. In s ummary, additional data is needed to determine the clinical significance of this variant.